The following is an entry in ClinVar:

NM_017617.5(NOTCH1):c.6593C>T (p.Ser2198Leu)

Gene: NOTCH1 (notch receptor 1; minus strand). Cytogenetic location: 9q34.3.
Variant type: single nucleotide variant.
Coding change: c.6593C>T on transcript NM_017617.5 (MANE Select); coding-DNA position 6593, C replaced by T.
Protein change: p.Ser2198Leu; replaces serine 2198 with leucine.
Molecular consequence: missense variant.
Genome position (GRCh38, 1-based): chr9:136,497,146, G>A on the plus strand (C>T on the coding strand, the complement: NOTCH1 is on the minus strand). VCF-style: chr9-136497146-G-A. GRCh37 (hg19) VCF-style: chr9-139391598-G-A.
Other names: c.6593C>T, p.Ser2198Leu (LRG_1122t1); short protein forms S2198L.
Identifiers: ClinVar variation 241161 (VCV000241161.14), dbSNP rs761562076, ClinGen allele CA5339864.

ClinVar aggregate classification (germline): Conflicting classifications of pathogenicity. Review status: criteria provided, conflicting classifications (1 of 4 stars). 4 submissions from 3 submitters: Uncertain significance (3); Benign (1). Last evaluated 2022-12-06.

Conditions:
Adams-Oliver syndrome 5 (AOS5). Identifiers: Orphanet 974, MedGen C4014970, MONDO:0014459, OMIM 616028.
Familial thoracic aortic aneurysm and aortic dissection (TAAD). Also called: Thoracic aortic aneurysms and dissections. Identifiers: Orphanet 91387, MedGen C4707243, MONDO:0019625.
Aortic valve disease 1 (AOVD1). Identifiers: MedGen C3887892, MONDO:0024523, OMIM 109730.

Allele frequency attached by ClinVar (database versions not stated): TOPMed below 0.00001; ExAC 0.00001; gnomAD exomes 0.00001.
gnomAD v4.1: 9 of 1,612,730 alleles (0.00056%); highest among the groups gnomAD compares: South Asian, 0.0022%; no homozygotes.

Submissions (4):

Labcorp Genetics (formerly Invitae), Labcorp
Classification: Benign for Adams-Oliver syndrome 5. Last evaluated: 2022-12-06. Review status: criteria provided, single submitter. Criteria: Invitae Variant Classification Sherloc (09022015). Collection method: clinical testing. Allele origin: germline.

Genome-Nilou Lab
Classification: Uncertain significance for Adams-Oliver syndrome 5. Last evaluated: 2022-03-15. Review status: criteria provided, single submitter. Criteria: ACMG Guidelines, 2015. Collection method: clinical testing. Allele origin: germline. Affected: no.

Genome-Nilou Lab
Classification: Uncertain significance for Aortic valve disease 1. Last evaluated: 2022-03-15. Review status: criteria provided, single submitter. Criteria: ACMG Guidelines, 2015. Collection method: clinical testing. Allele origin: germline. Affected: no.

Ambry Genetics
Classification: Uncertain significance for Familial thoracic aortic aneurysm and aortic dissection. Last evaluated: 2016-06-03. Review status: criteria provided, single submitter. Criteria: Ambry Variant Classification Scheme 2023. Collection method: clinical testing. Allele origin: germline.
Comment: The p.S2198L variant (also known as c.6593C>T), located in coding exon 34 of the NOTCH1 gene, results from a C to T substitution at nucleotide position 6593. The serine at codon 2198 is replaced by leucine, an amino acid with dissimilar properties. Based on data from ExAC, the T allele has an overall frequency of less than 0.01% (1/105105). This variant was not reported in population based cohorts in the following databases: Database of Single Nucleotide Polymorphisms (dbSNP), NHLBI Exome Sequencing Project (ESP), and 1000 Genomes Project. In the ESP, this variant was not observed in 6467 samples (12934 alleles) with coverage at this position. This amino acid position is highly conserved in available vertebrate species. In addition, this alteration is predicted to be deleterious by in silico analysis. Since supporting evidence is limited at this time, the clinical significance of this alteration remains unclear.